The following is an entry in ClinVar:

NM_000368.5(TSC1):c.1816C>T (p.His606Tyr)

Gene: TSC1 (TSC complex subunit 1; minus strand). Cytogenetic location: 9q34.13.
Variant type: single nucleotide variant.
Coding change: c.1816C>T on transcript NM_000368.5 (MANE Select); coding-DNA position 1816, C replaced by T.
Protein change: p.His606Tyr; replaces histidine 606 with tyrosine.
Molecular consequence: missense variant.
Genome position (GRCh38, 1-based): chr9:132,905,762, G>A on the plus strand (C>T on the coding strand, the complement: TSC1 is on the minus strand). VCF-style: chr9-132905762-G-A. GRCh37 (hg19) VCF-style: chr9-135781149-G-A.
Other names: c.1813C>T, p.His605Tyr (NM_001162426.2); c.1663C>T, p.His555Tyr (NM_001162427.2); c.1453C>T, p.His485Tyr (NM_001362177.2); short protein forms H555Y, H605Y, H606Y, H485Y.
Identifiers: ClinVar variation 644492 (VCV000644492.12), dbSNP rs1343881428, ClinGen allele CA375363328.

ClinVar aggregate classification (germline): Conflicting classifications of pathogenicity. Review status: criteria provided, conflicting classifications (1 of 4 stars). 4 submissions from 4 submitters: Uncertain significance (3); Likely benign (1). Last evaluated 2023-08-04.

Conditions:
Tuberous sclerosis 1 (TSC1). Identifiers: Orphanet 805, MedGen C1854465, MONDO:0008612, OMIM 191100.
Lymphangiomyomatosis (LAM). Also called: Lymphangioleiomyomatosis, somatic; Lymphangioleiomyomatosis. Identifiers: Orphanet 538, MedGen C0751674, MONDO:0011705, OMIM 606690.
Isolated focal cortical dysplasia type II (FCORD2). Also called: CORTICAL DYSPLASIA OF TAYLOR; Focal cortical dysplasia type II. Identifiers: Orphanet 268994, MedGen C1846385, MONDO:0011818, OMIM 607341, HP:0032051.
Tuberous sclerosis syndrome (TSC). Also called: Tuberous sclerosis; Tuberous Sclerosis Complex. Identifiers: Orphanet 805, MedGen C0041341, MONDO:0001734.

Allele frequency attached by ClinVar (database versions not stated): gnomAD exomes below 0.00001; gnomAD 0.00001; TOPMed 0.00001.

Submissions (4):

Labcorp Genetics (formerly Invitae), Labcorp
Classification: Likely benign for Tuberous sclerosis 1. Last evaluated: 2023-08-04. Review status: criteria provided, single submitter. Criteria: Invitae Variant Classification Sherloc (09022015). Collection method: clinical testing. Allele origin: germline.

All of Us Research Program, National Institutes of Health
Classification: Uncertain significance for Tuberous sclerosis syndrome. Last evaluated: 2023-07-10. Review status: criteria provided, single submitter. Criteria: ACMG Guidelines, 2015. Collection method: clinical testing. Allele origin: germline. Inheritance: Autosomal dominant inheritance. Observed: 2 variant alleles, 2 heterozygotes.
Comment: This missense variant replaces histidine with tyrosine at codon 606 of the TSC1 protein. Computational prediction suggests that this variant may not impact protein structure and function (internally defined REVEL score threshold <= 0.5, PMID: 27666373). To our knowledge, functional studies have not been reported for this variant. This variant has not been reported in individuals affected with TSC1-related disorders in the literature. This variant has been identified in 1/251206 chromosomes in the general population by the Genome Aggregation Database (gnomAD). The available evidence is insufficient to determine the role of this variant in disease conclusively. Therefore, this variant is classified as a Variant of Uncertain Significance.

This study involves interpretation of variants in research participants for the purpose of population health screening. Participant phenotype was not available at the time of variant classification. Additional details can be found in publication PMID: 35346344, PMCID: PMC8962531

Baylor Genetics
Classification: Uncertain significance for Isolated focal cortical dysplasia type II. Last evaluated: 2023-06-02. Review status: criteria provided, single submitter. Criteria: ACMG Guidelines, 2015. Collection method: clinical testing. Allele origin: unknown.

Fulgent Genetics
Classification: Uncertain significance for Tuberous sclerosis 1; Lymphangiomyomatosis; Isolated focal cortical dysplasia type II. Last evaluated: 2022-05-25. Review status: criteria provided, single submitter. Criteria: ACMG Guidelines, 2015. Collection method: clinical testing. Allele origin: unknown.